The following is an entry in ClinVar:

NM_020442.6(VARS2):c.3091-16T>C

Gene: VARS2 (valyl-tRNA synthetase 2, mitochondrial; plus strand). Cytogenetic location: 6p21.33.
Variant type: single nucleotide variant.
Coding change: c.3091-16T>C on transcript NM_020442.6 (MANE Select); 16 bases into the intron before coding-DNA position 3091, T replaced by C.
Molecular consequence: intron variant.
Genome position (GRCh38, 1-based): chr6:30,926,093, T>C. VCF-style: chr6-30926093-T-C. GRCh37 (hg19) VCF-style: chr6-30893870-T-C.
Other names: c.3181-16T>C (NM_001167734.2); c.2671-16T>C (NM_001167733.3).
Identifiers: ClinVar variation 382477 (VCV000382477.9), dbSNP rs529118301, ClinGen allele CA3706460.

ClinVar aggregate classification (germline): Benign/Likely benign. Review status: criteria provided, multiple submitters, no conflicts (2 of 4 stars). 2 submissions from 2 submitters: Benign (1); Likely benign (1). Last evaluated 2025-12-27.

Allele frequency attached by ClinVar (database versions not stated): 1000 Genomes Project 0.00020; gnomAD 0.00023 and 0.00024; ExAC 0.00184; gnomAD exomes 0.00201 and 0.00038; 1000 Genomes Project 30x 0.00031; TOPMed 0.00074.
gnomAD v4.1: 579 of 1,613,048 alleles (0.036%); highest among the groups gnomAD compares: Admixed American, 0.95%; 9 homozygotes.

Submissions (2):

Labcorp Genetics (formerly Invitae), Labcorp
Classification: Benign. Last evaluated: 2025-12-27. Review status: criteria provided, single submitter. Criteria: Invitae Variant Classification Sherloc (09022015). Collection method: clinical testing. Allele origin: germline.

GeneDx
Classification: Likely benign. Last evaluated: 2016-02-17. Review status: criteria provided, single submitter. Criteria: GeneDx Variant Classification (06012015). Collection method: clinical testing. Allele origin: germline. Affected: yes.
Comment: This variant is considered likely benign or benign based on one or more of the following criteria: it is a conservative change, it occurs at a poorly conserved position in the protein, it is predicted to be benign by multiple in silico algorithms, and/or has population frequency not consistent with disease.